The following is an entry in ClinVar:

NM_017662.5(TRPM6):c.*235C>T

Gene: TRPM6 (transient receptor potential cation channel subfamily M member 6; minus strand). Cytogenetic location: 9q21.13.
Variant type: single nucleotide variant.
Coding change: c.*235C>T on transcript NM_017662.5 (MANE Select); 235 bases downstream of the stop codon, C replaced by T.
Molecular consequence: 3 prime UTR variant.
Genome position (GRCh38, 1-based): chr9:74,724,378, G>A on the plus strand (C>T on the coding strand, the complement: TRPM6 is on the minus strand). VCF-style: chr9-74724378-G-A. GRCh37 (hg19) VCF-style: chr9-77339294-G-A.
Other names: c.*235C>T (NM_001177310.2, NM_001177311.2).
Identifiers: ClinVar variation 912917 (VCV000912917.4), dbSNP rs527880339, ClinGen allele CA193286927.

ClinVar aggregate classification (germline): Likely benign (1 of 4 stars; one submission).

Conditions:
Intestinal hypomagnesemia 1. Also called: HYPOMAGNESEMIA, INTESTINAL, WITH SECONDARY HYPOCALCEMIA; HYPOMAGNESEMIC TETANY. Identifiers: Orphanet 30924, MedGen C1865974, MONDO:0011176, OMIM 602014.

Allele frequency attached by ClinVar (database versions not stated): gnomAD below 0.00001 and 0.00011; TOPMed 0.00003; gnomAD exomes 0.00048; 1000 Genomes Project 30x 0.00141; 1000 Genomes Project 0.00160.

Submission:

Illumina Laboratory Services, Illumina
Classification: Likely benign for Intestinal hypomagnesemia 1. Last evaluated: 2018-01-13. Review status: criteria provided, single submitter. Criteria: ICSL Variant Classification Criteria 13 December 2019. Collection method: clinical testing. Allele origin: germline.
Comment: This variant was observed in the ICSL laboratory as part of a predisposition screen in an ostensibly healthy population. It had not been previously curated by ICSL or reported in the Human Gene Mutation Database (HGMD: prior to June 1st, 2018), and was therefore a candidate for classification through an automated scoring system. Utilizing variant allele frequency, disease prevalence and penetrance estimates, and inheritance mode, an automated score was calculated to assess if this variant is too frequent to cause the disease. Based on the score and internal cut-off values, a variant classified as likely benign is not then subjected to further curation. The score for this variant resulted in a classification of likely benign for this disease.